The following is an entry in ClinVar:

NM_004793.4(LONP1):c.2175C>A (p.Tyr725Ter)

Gene: LONP1 (lon peptidase 1, mitochondrial; minus strand). Cytogenetic location: 19p13.3.
Variant type: single nucleotide variant.
Coding change: c.2175C>A on transcript NM_004793.4 (MANE Select); coding-DNA position 2175, C replaced by A.
Protein change: p.Tyr725Ter; replaces tyrosine 725 with a stop codon.
Molecular consequence: nonsense. On other transcripts: non-coding transcript variant (1).
Genome position (GRCh38, 1-based): chr19:5,694,532, G>T on the plus strand (C>A on the coding strand, the complement: LONP1 is on the minus strand). VCF-style: chr19-5694532-G-T. GRCh37 (hg19) VCF-style: chr19-5694543-G-T.
Other names: c.1983C>A, p.Tyr661Ter (NM_001276479.2); c.1587C>A, p.Tyr529Ter (NM_001276480.1); short protein forms Y661*, Y725*, Y529*.
Identifiers: ClinVar variation 4711863 (VCV004711863.1).

ClinVar aggregate classification (germline): Pathogenic (1 of 4 stars; one submission).

Submission:

Labcorp Genetics (formerly Invitae), Labcorp
Classification: Pathogenic. Last evaluated: 2025-03-29. Review status: criteria provided, single submitter. Criteria: Invitae Variant Classification Sherloc (09022015). Collection method: clinical testing. Allele origin: germline.
Comment: This sequence change creates a premature translational stop signal (p.Tyr725*) in the LONP1 gene. It is expected to result in an absent or disrupted protein product. Loss-of-function variants in LONP1 are known to be pathogenic (PMID: 25017063, 25808063, 28148925). This variant is not present in population databases (gnomAD no frequency). This variant has not been reported in the literature in individuals affected with LONP1-related conditions. For these reasons, this variant has been classified as Pathogenic.

Literature cited by the submitters: PubMed 25017063; PubMed 25808063; PubMed 28148925.